The following is an entry in ClinVar:

ClinVar aggregate classification (germline): Uncertain significance (1 of 4 stars; one submission).

Submission:

Ambry Genetics
Classification: Uncertain significance. Last evaluated: 2022-07-29. Review status: criteria provided, single submitter. Criteria: Ambry Variant Classification Scheme 2023. Collection method: clinical testing. Allele origin: germline.
Comment: The p.G146R variant (also known as c.436G>A), located in coding exon 4 of the RINT1 gene, results from a G to A substitution at nucleotide position 436. The glycine at codon 146 is replaced by arginine, an amino acid with dissimilar properties. This amino acid position is conserved. In addition, this alteration is predicted to be tolerated by in silico analysis. Since supporting evidence is limited at this time, the clinical significance of this alteration remains unclear.

NM_021930.6(RINT1):c.436G>A (p.Gly146Arg)

Gene: RINT1 (RAD50 interactor 1; plus strand). Cytogenetic location: 7q22.3.
Variant type: single nucleotide variant.
Coding change: c.436G>A on transcript NM_021930.6 (MANE Select); coding-DNA position 436, G replaced by A.
Protein change: p.Gly146Arg; replaces glycine 146 with arginine.
Molecular consequence: missense variant. On other transcripts: 5 prime UTR variant (3), non-coding transcript variant (1).
Genome position (GRCh38, 1-based): chr7:105,542,570, G>A. VCF-style: chr7-105542570-G-A. GRCh37 (hg19) VCF-style: chr7-105183017-G-A.
Other names: c.202G>A, p.Gly68Arg (NM_001346599.2); c.-584G>A (NM_001346600.2); c.-487G>A (NM_001346601.2); c.-107G>A (NM_001346603.2); short protein forms G146R, G68R.
Identifiers: ClinVar variation 1740073 (VCV001740073.2), dbSNP rs2485112919, ClinGen allele CA368803644.